The following is an entry in ClinVar:

NM_002227.4(JAK1):c.2128C>G (p.Leu710Val)

Gene: JAK1 (Janus kinase 1; minus strand). Cytogenetic location: 1p31.3.
Variant type: single nucleotide variant.
Coding change: c.2128C>G on transcript NM_002227.4 (MANE Select); coding-DNA position 2128, C replaced by G.
Protein change: p.Leu710Val; replaces leucine 710 with valine.
Molecular consequence: missense variant.
Genome position (GRCh38, 1-based): chr1:64,844,877, G>C on the plus strand (C>G on the coding strand, the complement: JAK1 is on the minus strand). VCF-style: chr1-64844877-G-C. GRCh37 (hg19) VCF-style: chr1-65310560-G-C.
Other names: c.2128C>G, p.Leu710Val (NM_001320923.2, NM_001321852.2, NM_001321853.2 and 3 more transcripts); c.2125C>G, p.Leu709Val (NM_001321857.2); short protein forms L710V, L709V.
Identifiers: ClinVar variation 1432474 (VCV001432474.9), dbSNP rs377757935, ClinGen allele CA892733.
Genomic context (GRCh38, chr1:64,844,877, plus strand): 5'-CACTGTCGATGCCCTCACGGGCCAGGAGGAGGTTTTTAGTACACACATTTCCATGGACCA[G>C]GTCTTTATCCTCCTGCAGAGTAAAAAGGTCAAGTTTAGCCAAGCTGCTCCTTCCCGCATT-3'
Protein context (NP_002218.2, residues 700-720): SALSYLEDKD[Leu710Val]VHGNVCTKNL

ClinVar aggregate classification (germline): Uncertain significance. Review status: criteria provided, multiple submitters, no conflicts (2 of 4 stars). 2 submissions from 2 submitters: Uncertain significance (2). Last evaluated 2026-08-06.

Conditions:
Autoinflammation, immune dysregulation, and eosinophilia. Also called: ATOPIC DERMATITIS, ENTERITIS, COLITIS, AND EOSINOPHILIA. Identifiers: MedGen C5436572, MONDO:0033558, OMIM 618999.

Allele frequency attached by ClinVar (database versions not stated): gnomAD 0.00014 and 0.00013; ESP Exome Variant Server 0.00032; ExAC 0.00005; gnomAD exomes 0.00005.
gnomAD v4.1: 48 of 1,614,072 alleles (0.003%); highest among the groups gnomAD compares: African/African-American, 0.051%; no homozygotes.

Submissions (2):

OLLIN Analises Genomicas, OLLIN
Classification: Uncertain significance for Autoinflammation, immune dysregulation, and eosinophilia. Last evaluated: 2026-08-06. Review status: criteria provided, single submitter. Criteria: ACMG Guidelines 2015 PMID 25741868. Collection method: clinical testing. Allele origin: germline. Inheritance: Autosomal dominant inheritance.
Comment: This missense variant, located in exon 16 (of 25), has been reported in ClinVar (accession VCV001432474.8) and in gnomAD with an allele frequency of 0.003%. However, to our knowledge, it has not been reported in the scientific literature. In silico analysis predicts that this variant has a tolerated effect. This gene is constrained for missense variation. According to the currently available evidence, this variant has been classified as uncertain significance (PP2, BP4_M).

Labcorp Genetics (formerly Invitae), Labcorp
Classification: Uncertain significance. Last evaluated: 2026-01-21. Review status: criteria provided, single submitter. Criteria: Invitae Variant Classification Sherloc (09022015). Collection method: clinical testing. Allele origin: germline.
Comment: This sequence change replaces leucine, which is neutral and non-polar, with valine, which is neutral and non-polar, at codon 710 of the JAK1 protein (p.Leu710Val). This variant is present in population databases (rs377757935, gnomAD 0.05%). This variant has not been reported in the literature in individuals affected with JAK1-related conditions. ClinVar contains an entry for this variant (Variation ID: 1432474). Invitae Evidence Modeling of protein sequence and biophysical properties (such as structural, functional, and spatial information, amino acid conservation, physicochemical variation, residue mobility, and thermodynamic stability) indicates that this missense variant is not expected to disrupt JAK1 protein function with a negative predictive value of 80%. In summary, the available evidence is currently insufficient to determine the role of this variant in disease. Therefore, it has been classified as a Variant of Uncertain Significance.